The following is an entry in ClinVar:

NM_000368.5(TSC1):c.1144G>A (p.Gly382Ser)

Gene: TSC1 (TSC complex subunit 1; minus strand). Cytogenetic location: 9q34.13.
Variant type: single nucleotide variant.
Coding change: c.1144G>A on transcript NM_000368.5 (MANE Select); coding-DNA position 1144, G replaced by A.
Protein change: p.Gly382Ser; replaces glycine 382 with serine.
Molecular consequence: missense variant. On other transcripts: non-coding transcript variant (4), splice acceptor variant (21).
Genome position (GRCh38, 1-based): chr9:132,910,690, C>T on the plus strand (G>A on the coding strand, the complement: TSC1 is on the minus strand). VCF-style: chr9-132910690-C-T. GRCh37 (hg19) VCF-style: chr9-135786077-C-T.
Other names: c.991G>A, p.Gly331Ser (NM_001162427.2, NM_001406610.1); c.781G>A, p.Gly261Ser (NM_001362177.2, NM_001406614.1, NM_001406615.1 and 5 more transcripts); c.1144G>A, p.Gly382Ser (NM_001406592.1, NM_001406593.1, NM_001406594.1 and 7 more transcripts); c.779-1G>A (NM_001406620.1, NM_001406625.1, NM_001406621.1 and 2 more transcripts); c.989-1G>A (NM_001406613.1, NM_001406612.1, NM_001406611.1); c.191-1G>A (NM_001406627.1, NM_001406628.1); c.92-1G>A (NM_001406629.1, NM_001406630.1); c.1142-1G>A (NM_001406603.1, NM_001406609.1, NM_001406597.1 and 6 more transcripts); and 1 more; short protein forms G382S, G261S, G331S, G65S.
Identifiers: ClinVar variation 466009 (VCV000466009.11), dbSNP rs367564729, ClinGen allele CA027178.

ClinVar aggregate classification (germline): Uncertain significance. Review status: criteria provided, multiple submitters, no conflicts (2 of 4 stars). 3 submissions from 3 submitters: Uncertain significance (3). Last evaluated 2026-01-08.

Conditions:
Tuberous sclerosis syndrome (TSC). Also called: Tuberous Sclerosis Complex; Tuberous sclerosis. Identifiers: Orphanet 805, MedGen C0041341, MONDO:0001734.
Tuberous sclerosis 1 (TSC1). Identifiers: Orphanet 805, MedGen C1854465, MONDO:0008612, OMIM 191100.

Allele frequency attached by ClinVar (database versions not stated): gnomAD exomes below 0.00001; TOPMed below 0.00001; ExAC 0.00001; gnomAD 0.00001; ESP Exome Variant Server 0.00008.

Submissions (3):

Labcorp Genetics (formerly Invitae), Labcorp
Classification: Uncertain significance for Tuberous sclerosis 1. Last evaluated: 2026-01-08. Review status: criteria provided, single submitter. Criteria: Invitae Variant Classification Sherloc (09022015). Collection method: clinical testing. Allele origin: germline.
Comment: This sequence change replaces glycine, which is neutral and non-polar, with serine, which is neutral and polar, at codon 382 of the TSC1 protein (p.Gly382Ser). This variant is present in population databases (rs367564729, gnomAD 0.008%). This variant has not been reported in the literature in individuals affected with TSC1-related conditions. ClinVar contains an entry for this variant (Variation ID: 466009). Invitae Evidence Modeling of protein sequence and biophysical properties (such as structural, functional, and spatial information, amino acid conservation, physicochemical variation, residue mobility, and thermodynamic stability) indicates that this missense variant is not expected to disrupt TSC1 protein function with a negative predictive value of 95%. Studies have shown that this missense change is associated with inconclusive levels of altered splicing (internal data). In summary, the available evidence is currently insufficient to determine the role of this variant in disease. Therefore, it has been classified as a Variant of Uncertain Significance.

GeneDx
Classification: Uncertain significance. Last evaluated: 2024-01-04. Review status: criteria provided, single submitter. Criteria: GeneDx Variant Classification Process June 2021. Collection method: clinical testing. Allele origin: germline. Affected: yes.
Comment: In silico analysis supports that this missense variant does not alter protein structure/function; Has not been previously published as pathogenic or benign to our knowledge; In silico analysis is inconclusive as to whether the variant alters gene splicing. In the absence of RNA/functional studies, the actual effect of this sequence change is unknown.

All of Us Research Program, National Institutes of Health
Classification: Uncertain significance for Tuberous sclerosis syndrome. Last evaluated: 2023-06-26. Review status: criteria provided, single submitter. Criteria: ACMG Guidelines, 2015. Collection method: clinical testing. Allele origin: germline. Inheritance: Autosomal dominant inheritance. Observed: 1 variant allele, 1 heterozygote.
Comment: This missense variant replaces glycine with serine at codon 382 of the TSC1 protein. Computational prediction suggests that this variant may not impact protein structure and function (internally defined REVEL score threshold <= 0.5, PMID: 27666373). To our knowledge, functional studies have not been reported for this variant. This variant has not been reported in individuals affected with hereditary cancer in the literature. This variant has been identified in 2/281088 chromosomes in the general population by the Genome Aggregation Database (gnomAD). The available evidence is insufficient to determine the role of this variant in disease conclusively. Therefore, this variant is classified as a Variant of Uncertain Significance.

This study involves interpretation of variants in research participants for the purpose of population health screening. Participant phenotype was not available at the time of variant classification. Additional details can be found in publication PMID: 35346344, PMCID: PMC8962531